The following is an entry in ClinVar:

NM_000268.4(NF2):c.1711A>G (p.Ser571Gly)

Gene: NF2 (NF2, moesin-ezrin-radixin like (MERLIN) tumor suppressor; plus strand). Cytogenetic location: 22q12.2.
Variant type: single nucleotide variant.
Coding change: c.1711A>G on transcript NM_000268.4 (MANE Select); coding-DNA position 1711, A replaced by G.
Protein change: p.Ser571Gly; replaces serine 571 with glycine.
Molecular consequence: missense variant. On other transcripts: non-coding transcript variant (1), intron variant (1).
Genome position (GRCh38, 1-based): chr22:29,681,575, A>G. VCF-style: chr22-29681575-A-G. GRCh37 (hg19) VCF-style: chr22-30077564-A-G.
Other names: c.1597A>G, p.Ser533Gly (NM_001407053.1, NM_001407056.1); c.1588A>G, p.Ser530Gly (NM_001407054.1, NM_001407058.1, NM_181829.3); c.1585A>G, p.Ser529Gly (NM_001407055.1, NM_181828.3); c.1576A>G, p.Ser526Gly (NM_001407057.1, NM_001407059.1); c.1453A>G, p.Ser485Gly (NM_001407062.1); c.1462A>G, p.Ser488Gly (NM_001407063.1, NM_181830.3, NM_181831.3); c.1177A>G, p.Ser393Gly (NM_001407065.1); c.1711A>G, p.Ser571Gly (NM_001407066.1, NM_016418.5, NM_181825.3 and 1 more transcripts); and 2 more; short protein forms S529G, S533G, S393G, S485G, S526G, S530G, S571G, S488G.
Identifiers: ClinVar variation 1959143 (VCV001959143.5), dbSNP rs1601666455, ClinGen allele CA411150447.

ClinVar aggregate classification (germline): Uncertain significance (1 of 4 stars; one submission).

Conditions:
Neurofibromatosis, type 2 (SWNV). Also called: SCHWANNOMATOSIS, VESTIBULAR; NF2-Related Schwannomatosis; BILATERAL ACOUSTIC NEUROFIBROMATOSIS. Identifiers: Orphanet 637, MedGen C0027832, MONDO:0007039, OMIM 101000. Disease mechanism: loss of function.

Submission:

Labcorp Genetics (formerly Invitae), Labcorp
Classification: Uncertain significance for Neurofibromatosis, type 2. Last evaluated: 2022-06-03. Review status: criteria provided, single submitter. Criteria: Invitae Variant Classification Sherloc (09022015). Collection method: clinical testing. Allele origin: germline.
Comment: This sequence change replaces serine, which is neutral and polar, with glycine, which is neutral and non-polar, at codon 571 of the NF2 protein (p.Ser571Gly). This variant is not present in population databases (gnomAD no frequency). This variant has not been reported in the literature in individuals affected with NF2-related conditions. Algorithms developed to predict the effect of missense changes on protein structure and function output the following: SIFT: "Tolerated"; PolyPhen-2: "Benign"; Align-GVGD: "Class C0". The glycine amino acid residue is found in multiple mammalian species, which suggests that this missense change does not adversely affect protein function. In summary, the available evidence is currently insufficient to determine the role of this variant in disease. Therefore, it has been classified as a Variant of Uncertain Significance.